The following is an entry in ClinVar:

NM_182895.5(SCARF2):c.1680T>G (p.Cys560Trp)

Gene: SCARF2 (scavenger receptor class F member 2; minus strand). Cytogenetic location: 22q11.21.
Variant type: single nucleotide variant.
Coding change: c.1680T>G on transcript NM_182895.5 (MANE Select); coding-DNA position 1680, T replaced by G.
Protein change: p.Cys560Trp; replaces cysteine 560 with tryptophan.
Molecular consequence: missense variant.
Genome position (GRCh38, 1-based): chr22:20,427,411, A>C on the plus strand (T>G on the coding strand, the complement: SCARF2 is on the minus strand). VCF-style: chr22-20427411-A-C. GRCh37 (hg19) VCF-style: chr22-20781698-A-C.
Other names: c.1695T>G, p.Cys565Trp (NM_153334.7); short protein forms C560W, C565W.
Identifiers: ClinVar variation 2814106 (VCV002814106.3), dbSNP rs2052591458, ClinGen allele CA410740893.

ClinVar aggregate classification (germline): Uncertain significance (1 of 4 stars; one submission).

Allele frequency attached by ClinVar (database versions not stated): TOPMed 0.00001.
gnomAD v4.1: 1 of 1,614,066 alleles (0.000062%); highest among the groups gnomAD compares: African/African-American, 0.0013%; no homozygotes.

Submission:

Labcorp Genetics (formerly Invitae), Labcorp
Classification: Uncertain significance. Last evaluated: 2024-04-22. Review status: criteria provided, single submitter. Criteria: Invitae Variant Classification Sherloc (09022015). Collection method: clinical testing. Allele origin: germline.
Comment: This sequence change replaces cysteine, which is neutral and slightly polar, with tryptophan, which is neutral and slightly polar, at codon 565 of the SCARF2 protein (p.Cys565Trp). This variant is not present in population databases (gnomAD no frequency). This variant has not been reported in the literature in individuals affected with SCARF2-related conditions. An algorithm developed to predict the effect of missense changes on protein structure and function (PolyPhen-2) suggests that this variant is likely to be disruptive. In summary, the available evidence is currently insufficient to determine the role of this variant in disease. Therefore, it has been classified as a Variant of Uncertain Significance.